The following is an entry in ClinVar:

ClinVar aggregate classification (germline): Likely pathogenic (1 of 4 stars; one submission).

gnomAD v4.1: 30 of 1,552,600 alleles (0.0019%); highest among the groups gnomAD compares: Non-Finnish European, 0.0025%; no homozygotes.

Submission:

Labcorp Genetics (formerly Invitae), Labcorp
Classification: Likely pathogenic. Last evaluated: 2024-07-15. Review status: criteria provided, single submitter. Criteria: Invitae Variant Classification Sherloc (09022015). Collection method: clinical testing. Allele origin: germline.
Comment: This sequence change affects a donor splice site in intron 46 of the SI gene. It is expected to disrupt RNA splicing. Variants that disrupt the donor or acceptor splice site typically lead to a loss of protein function (PMID: 16199547), and loss-of-function variants in SI are known to be pathogenic (PMID: 16329100, 23103650, 25452324). This variant is present in population databases (no rsID available, gnomAD 0.003%). This variant has not been reported in the literature in individuals affected with SI-related conditions. Algorithms developed to predict the effect of sequence changes on RNA splicing suggest that this variant may disrupt the consensus splice site. In summary, the currently available evidence indicates that the variant is pathogenic, but additional data are needed to prove that conclusively. Therefore, this variant has been classified as Likely Pathogenic.

Literature cited by the submitters: PubMed 16199547; PubMed 16329100; PubMed 23103650; PubMed 25452324.

NM_001041.4(SI):c.5247+1G>A

Gene: SI (sucrase-isomaltase; minus strand). Cytogenetic location: 3q26.1.
Variant type: single nucleotide variant.
Coding change: c.5247+1G>A on transcript NM_001041.4 (MANE Select); the canonical splice donor site of the intron after coding-DNA position 5247, G replaced by A.
Molecular consequence: splice donor variant.
Genome position (GRCh38, 1-based): chr3:164,983,001, C>T on the plus strand (G>A on the coding strand, the complement: SI is on the minus strand). VCF-style: chr3-164983001-C-T. GRCh37 (hg19) VCF-style: chr3-164700789-C-T.
Identifiers: ClinVar variation 3616676 (VCV003616676.2).